The following is an entry in ClinVar:

NM_000384.3(APOB):c.3671G>C (p.Arg1224Pro)

Gene: APOB (apolipoprotein B; minus strand). Cytogenetic location: 2p24.1.
Variant type: single nucleotide variant.
Coding change: c.3671G>C on transcript NM_000384.3 (MANE Select); coding-DNA position 3671, G replaced by C.
Protein change: p.Arg1224Pro; replaces arginine 1224 with proline.
Molecular consequence: missense variant.
Genome position (GRCh38, 1-based): chr2:21,015,098, C>G on the plus strand (G>C on the coding strand, the complement: APOB is on the minus strand). VCF-style: chr2-21015098-C-G. GRCh37 (hg19) VCF-style: chr2-21237970-C-G.
Other names: short protein forms R1224P.
Identifiers: ClinVar variation 628714 (VCV000628714.10), dbSNP rs530511188, ClinGen allele CA346008554.

ClinVar aggregate classification (germline): Uncertain significance (1 of 4 stars; one submission).

Conditions:
Hypercholesterolemia, autosomal dominant, type B (FHCL2). Also called: APOB-Related Familial Hypercholesterolemia, Autosomal Dominant; Hyperlipoproteinemia Type IIb; Familial Hypercholesterolemia Type B; APOLIPOPROTEIN B-100, FAMILIAL DEFECTIVE; APOLIPOPROTEIN B-100, FAMILIAL LIGAND-DEFECTIVE; Familial hypercholesterolemia 2. Identifiers: MedGen C1704417, MONDO:0007751, OMIM 144010.
Familial hypobetalipoproteinemia 1. Also called: APOB-Related Familial Hypobetalipoproteinemia; Hypobetalipoproteinemia, normotriglyceridemic; Acanthocytosis with hypobetalipoproteinemia. Identifiers: MedGen C4551990, MONDO:0014252, OMIM 615558.

Submission:

Labcorp Genetics (formerly Invitae), Labcorp
Classification: Uncertain significance for Familial hypobetalipoproteinemia 1; Hypercholesterolemia, autosomal dominant, type B. Last evaluated: 2021-10-21. Review status: criteria provided, single submitter. Criteria: Invitae Variant Classification Sherloc (09022015). Collection method: clinical testing. Allele origin: germline.
Comment: In summary, the available evidence is currently insufficient to determine the role of this variant in disease. Therefore, it has been classified as a Variant of Uncertain Significance. Algorithms developed to predict the effect of missense changes on protein structure and function are either unavailable or do not agree on the potential impact of this missense change (SIFT: "Deleterious"; PolyPhen-2: "Benign"; Align-GVGD: "Class C0"). ClinVar contains an entry for this variant (Variation ID: 628714). This variant has not been reported in the literature in individuals affected with APOB-related conditions. This variant is not present in population databases (ExAC no frequency). This sequence change replaces arginine with proline at codon 1224 of the APOB protein (p.Arg1224Pro). The arginine residue is moderately conserved and there is a moderate physicochemical difference between arginine and proline.